The following is an entry in ClinVar:

ClinVar aggregate classification (germline): Likely benign (1 of 4 stars; one submission).

Conditions:
WDPCP-related disorder. Also called: WDPCP-related condition.

gnomAD v4.1: 2 of 1,571,798 alleles (0.00013%); highest among the groups gnomAD compares: Admixed American, 0.0036%; no homozygotes.

Submission:

PreventionGenetics, part of Exact Sciences
Classification: Likely benign for WDPCP-related condition. Last evaluated: 2025-01-04. Review status: criteria provided, single submitter. Criteria: ACMG Guidelines, 2015. Collection method: clinical testing. Allele origin: germline.
Comment: This variant is classified as likely benign based on ACMG/AMP sequence variant interpretation guidelines (Richards et al. 2015 PMID: 25741868, with internal and published modifications).

NM_015910.7(WDPCP):c.-6C>G

Gene: WDPCP (WD repeat containing planar cell polarity effector; minus strand). Cytogenetic location: 2p15.
Variant type: single nucleotide variant.
Coding change: c.-6C>G on transcript NM_015910.7 (MANE Select); 6 bases upstream of the start codon, C replaced by G.
Molecular consequence: 5 prime UTR variant. On other transcripts: non-coding transcript variant (2).
Genome position (GRCh38, 1-based): chr2:63,588,277, G>C on the plus strand (C>G on the coding strand, the complement: WDPCP is on the minus strand). VCF-style: chr2-63588277-G-C. GRCh37 (hg19) VCF-style: chr2-63815411-G-C.
Other names: c.-330C>G (NM_001354044.2); c.-6C>G (NM_001354045.2).
Identifiers: ClinVar variation 4988732 (VCV004988732.1).